The following is an entry in ClinVar:

NM_000540.3(RYR1):c.14512-11C>T

Gene: RYR1 (ryanodine receptor 1; plus strand). Cytogenetic location: 19q13.2.
Variant type: single nucleotide variant.
Coding change: c.14512-11C>T on transcript NM_000540.3 (MANE Select); 11 bases into the intron before coding-DNA position 14512, C replaced by T.
Molecular consequence: intron variant.
Genome position (GRCh38, 1-based): chr19:38,580,359, C>T. VCF-style: chr19-38580359-C-T. GRCh37 (hg19) VCF-style: chr19-39070999-C-T.
Other names: c.14497-11C>T (NM_001042723.2).
Identifiers: ClinVar variation 2775696 (VCV002775696.4), dbSNP rs1257034924, ClinGen allele CA882064632.

ClinVar aggregate classification (germline): Likely benign. Review status: criteria provided, multiple submitters, no conflicts (2 of 4 stars). 2 submissions from 2 submitters: Likely benign (2). Last evaluated 2024-08-13.

Conditions:
RYR1-related disorder. Also called: RYR1-related condition; RYR1-related disorders. Identifiers: MedGen CN239331.
Malignant hyperthermia, susceptibility to, 1 (MHS1). Also called: Malignant hyperthermia suceptibility 1; Anesthesia related hyperthermia; Malignant hyperpyrexia; Fulminating hyperpyrexia; Pharmacogenic myopathy; RYR1-Related Malignant Hyperthermia Susceptibility. Identifiers: Orphanet 423, MedGen C2930980, MONDO:0007783, OMIM 145600.

Allele frequency attached by ClinVar (database versions not stated): gnomAD exomes 0.00001; TOPMed 0.00001.
gnomAD v4.1: 10 of 1,613,882 alleles (0.00062%); highest among the groups gnomAD compares: Non-Finnish European, 0.00085%; no homozygotes.

Submissions (2):

All of Us Research Program, National Institutes of Health
Classification: Likely benign for Malignant hyperthermia, susceptibility to, 1. Last evaluated: 2024-08-13. Review status: criteria provided, single submitter. Criteria: ACMG Guidelines, 2015. Collection method: clinical testing. Allele origin: germline. Inheritance: Autosomal dominant inheritance. Observed: 1 variant allele, 1 heterozygote.
Comment: This study involves interpretation of variants in research participants for the purpose of population health screening. Participant phenotype was not available at the time of variant classification. Additional details can be found in publication PMID: 35346344, PMCID: PMC8962531

Labcorp Genetics (formerly Invitae), Labcorp
Classification: Likely benign for RYR1-related disorder. Last evaluated: 2023-09-22. Review status: criteria provided, single submitter. Criteria: Invitae Variant Classification Sherloc (09022015). Collection method: clinical testing. Allele origin: germline.